The following is an entry in ClinVar:

NM_001009944.3(PKD1):c.2780C>T (p.Thr927Met)

Gene: PKD1 (polycystin 1, transient receptor potential channel interacting; minus strand). Cytogenetic location: 16p13.3.
Variant type: single nucleotide variant.
Coding change: c.2780C>T on transcript NM_001009944.3 (MANE Select); coding-DNA position 2780, C replaced by T.
Protein change: p.Thr927Met; replaces threonine 927 with methionine.
Molecular consequence: missense variant.
Genome position (GRCh38, 1-based): chr16:2,114,243, G>A on the plus strand (C>T on the coding strand, the complement: PKD1 is on the minus strand). VCF-style: chr16-2114243-G-A. GRCh37 (hg19) VCF-style: chr16-2164244-G-A.
Other names: c.2780C>T, p.Thr927Met (NM_000296.4); short protein forms T927M.
Identifiers: ClinVar variation 2344899 (VCV002344899.4), dbSNP rs139963923, ClinGen allele CA7833100.
Genomic context (GRCh38, chr16:2,114,243, plus strand): 5'-TGCAGTACACGGGCCTCGGGGCTGGGCGTGGCGCGGAGGCCACAGATGGGCTCCTCCGCC[G>A]TCACCCGCAGGCTGAGGTTGGCCCGGCTGGCGCTGTTTTCCACCACCACGTCCACCACGT-3'
Protein context (NP_001009944.3, residues 917-937): ASRANLSLRV[Thr927Met]AEEPICGLRA

ClinVar aggregate classification (germline): Uncertain significance. Review status: criteria provided, multiple submitters, no conflicts (2 of 4 stars). 3 submissions from 3 submitters: Uncertain significance (3). Last evaluated 2026-02-10.

Conditions:
PKD1-related disorder. Also called: PKD1-related condition.
Inborn genetic diseases. Identifiers: MedGen C0950123, MeSH D030342.

Allele frequency attached by ClinVar (database versions not stated): TOPMed 0.00002; gnomAD 0.00003; ESP Exome Variant Server 0.00008.

Submissions (3):

GeneDx
Classification: Uncertain significance. Last evaluated: 2026-02-10. Review status: criteria provided, single submitter. Criteria: GeneDx Variant Classification Process June 2021. Collection method: clinical testing. Allele origin: germline.
Comment: In silico analysis suggests that this missense variant does not alter protein structure/function; This variant is associated with the following publications: (PMID: 22383692)

PreventionGenetics, part of Exact Sciences
Classification: Uncertain significance for PKD1-related condition. Last evaluated: 2025-02-28. Review status: criteria provided, single submitter. Criteria: ACMG Guidelines, 2015. Collection method: clinical testing. Allele origin: germline.
Comment: The PKD1 c.2780C>T variant is predicted to result in the amino acid substitution p.Thr927Met. This variant was reported in an individual who has a clinical diagnosis not compatible with standard clinical and imaging criteria for autosomal dominant polycystic kidney disease (ADPKD) and was classified as "indeterminate" (variant of uncertain significance) (Table 2, Rossetti et al. 2012. PubMed ID: 22383692). This variant is reported in 0.017% of alleles in individuals of African descent in gnomAD. Although we suspect that this variant may be benign, at this time, the clinical significance of this variant is uncertain due to the absence of conclusive functional and genetic evidence.

Ambry Genetics
Classification: Uncertain significance for Inborn genetic diseases. Last evaluated: 2021-12-29. Review status: criteria provided, single submitter. Criteria: Ambry Variant Classification Scheme 2023. Collection method: clinical testing. Allele origin: germline.

Literature cited by the submitters: PubMed 22383692 (cited by Ambry Genetics).